The following is an entry in ClinVar:

NM_000836.4(GRIN2D):c.3340GACTCGGAG[1] (p.1114DSE[1])

Gene: GRIN2D (glutamate ionotropic receptor NMDA type subunit 2D; plus strand). Cytogenetic location: 19q13.33.
Variant type: Microsatellite.
Coding change: c.3340GACTCGGAG[1] on transcript NM_000836.4 (MANE Select); one copy of the 9-base unit GACTCGGAG starting at c.3340; the reference has two copies in a row; one copy, 9 bases deleted.
Protein change: p.1114DSE[1].
Molecular consequence: inframe deletion.
Genome position (GRCh38, 1-based): chr19:48,443,275-48,443,283, GACTCGGAG deleted; deleting any 9 consecutive bases within chr19:48,443,265-48,443,283 gives the same sequence; the position shown is the placement nearest the transcript's 3' end. VCF-style (leftmost placement, unchanged base first): chr19-48443264-CGGACTCGGA-C. GRCh37 (hg19) VCF-style: chr19-48946521-CGGACTCGGA-C.
Identifiers: ClinVar variation 1488172 (VCV001488172.6), dbSNP rs749701862, ClinGen allele CA9550833.

ClinVar aggregate classification (germline): Uncertain significance (1 of 4 stars; one submission).

Submission:

Labcorp Genetics (formerly Invitae), Labcorp
Classification: Uncertain significance. Last evaluated: 2023-12-27. Review status: criteria provided, single submitter. Criteria: Invitae Variant Classification Sherloc (09022015). Collection method: clinical testing. Allele origin: germline.
Comment: This variant, c.3349_3357del, results in the deletion of 3 amino acid(s) of the GRIN2D protein (p.Asp1117_Glu1119del), but otherwise preserves the integrity of the reading frame. This variant is present in population databases (rs768993919, gnomAD 0.001%). This variant has been observed in individual(s) with clinical features of developmental and epileptic encephalopathy (Invitae). Experimental studies and prediction algorithms are not available or were not evaluated, and the functional significance of this variant is currently unknown. In summary, the available evidence is currently insufficient to determine the role of this variant in disease. Therefore, it has been classified as a Variant of Uncertain Significance.